The following is an entry in ClinVar:

NM_020207.7(ERCC6L2):c.1078C>G (p.Leu360Val)

Gene: ERCC6L2 (ERCC excision repair 6 like 2; plus strand). Cytogenetic location: 9q22.32.
Variant type: single nucleotide variant.
Coding change: c.1078C>G on transcript NM_020207.7 (MANE Select); coding-DNA position 1078, C replaced by G.
Protein change: p.Leu360Val; replaces leucine 360 with valine.
Molecular consequence: missense variant. On other transcripts: non-coding transcript variant (1).
Genome position (GRCh38, 1-based): chr9:95,916,354, C>G. VCF-style: chr9-95916354-C-G. GRCh37 (hg19) VCF-style: chr9-98678636-C-G.
Other names: c.1078C>G, p.Leu360Val (NM_001010895.4, NM_001375291.1, NM_001375292.1 and 2 more transcripts); short protein forms L360V.
Identifiers: ClinVar variation 4019384 (VCV004019384.1).

ClinVar aggregate classification (germline): Uncertain significance (1 of 4 stars; one submission).

Conditions:
Inborn genetic diseases. Identifiers: MedGen C0950123, MeSH D030342.

gnomAD v4.1: 1 of 1,611,394 alleles (0.000062%); highest among the groups gnomAD compares: Non-Finnish European, 0.000085%; no homozygotes.

Submission:

Ambry Genetics
Classification: Uncertain significance for Inborn genetic diseases. Last evaluated: 2025-05-26. Review status: criteria provided, single submitter. Criteria: Ambry Variant Classification Scheme 2023. Collection method: clinical testing. Allele origin: germline.
Comment: The p.L360V variant (also known as c.1078C>G), located in coding exon 6 of the ERCC6L2 gene, results from a C to G substitution at nucleotide position 1078. The leucine at codon 360 is replaced by valine, an amino acid with highly similar properties. This amino acid position is conserved. In addition, this alteration is predicted to be deleterious by in silico analysis. Based on the available evidence, the clinical significance of this variant remains unclear.